The following is an entry in ClinVar:

ClinVar aggregate classification (germline): Benign/Likely benign. Review status: criteria provided, multiple submitters, no conflicts (2 of 4 stars). 3 submissions from 3 submitters: Benign (1); Likely benign (1). 1 of the submissions does not count toward it. Last evaluated 2025-01-01.

Allele frequency attached by ClinVar (database versions not stated): TOPMed 0.00186; gnomAD 0.00518 and 0.00540; gnomAD exomes 0.02976; 1000 Genomes Project 30x 0.00141.
gnomAD v4.1: 5,068 of 1,183,460 alleles (0.43%); highest among the groups gnomAD compares: Non-Finnish European, 0.38%; 43 homozygotes.

Submissions (3):

CeGaT Center for Human Genetics Tuebingen
Classification: Benign. Last evaluated: 2025-01-01. Review status: criteria provided, single submitter. Criteria: CeGaT Center For Human Genetics Tuebingen Variant Classification Criteria Version 2. Collection method: clinical testing. Allele origin: germline. Affected: yes. Observed: 1 variant allele.
Comment: NRG1: BP4, BS1, BS2

Blueprint Genetics
Classification: Likely benign. Last evaluated: 2024-11-22. Review status: criteria provided, single submitter. Criteria: ACMG Guidelines, 2015. Collection method: clinical testing. Allele origin: germline.

Psychiatry Genetics Yale University
No classification provided. Review status: no classification provided. Collection method: not provided. Allele origin: not provided. Not counted in ClinVar's aggregate classification.

NC_000008.11:g.31640334C>T

Gene: NRG1 (neuregulin 1; plus strand). Cytogenetic location: 8p12.
Variant type: single nucleotide variant.
Molecular consequence: missense variant (on NM_013962.3). On other transcripts: intron variant (5).
Genome position: GRCh38 VCF-style: chr8-31640334-C-T. GRCh37 (hg19) VCF-style: chr8-31497850-C-T.
Other names: c.350C>T, p.Pro117Leu (NM_013962.3); c.37+903C>T (NM_001159999.3, NM_001159995.3, NM_001160001.3); c.-556+903C>T (NM_001322201.2); c.-505+903C>T (NM_001322202.2); short protein forms P117L.
Identifiers: ClinVar variation 98388 (VCV000098388.16), dbSNP rs367543157, ClinGen allele CA225645.